The following is an entry in ClinVar:

ClinVar aggregate classification (germline): Likely benign (1 of 4 stars; one submission).

Conditions:
TBX3-related disorder. Also called: TBX3-related condition.

gnomAD v4.1: 1 of 1,549,762 alleles (0.000065%); highest among the groups gnomAD compares: Non-Finnish European, 0.000087%; no homozygotes.

Submission:

PreventionGenetics, part of Exact Sciences
Classification: Likely benign for TBX3-related condition. Last evaluated: 2025-07-08. Review status: criteria provided, single submitter. Criteria: ACMG Guidelines, 2015. Collection method: clinical testing. Allele origin: germline.
Comment: This variant is classified as likely benign based on ACMG/AMP sequence variant interpretation guidelines (Richards et al. 2015 PMID: 25741868, with internal and published modifications).

NM_005996.4(TBX3):c.1455G>A (p.Pro485=)

Gene: TBX3 (T-box transcription factor 3; minus strand). Cytogenetic location: 12q24.21.
Variant type: single nucleotide variant.
Coding change: c.1455G>A on transcript NM_005996.4 (MANE Select); coding-DNA position 1455, G replaced by A.
Protein change: p.Pro485=; no amino-acid change (proline 485 retained).
Molecular consequence: synonymous variant.
Genome position (GRCh38, 1-based): chr12:114,674,420, C>T on the plus strand (G>A on the coding strand, the complement: TBX3 is on the minus strand). VCF-style: chr12-114674420-C-T. GRCh37 (hg19) VCF-style: chr12-115112225-C-T.
Other names: c.1515G>A, p.Pro505= (NM_016569.4).
Identifiers: ClinVar variation 5001749 (VCV005001749.1).
Genomic context (GRCh38, chr12:114,674,420, plus strand): 5'-AAACTGGCTGGGGTGCAGGAAGAGCGGGTGCCCGTTGAAGAACTGTTGGCCCGCCAGGCC[C>T]GGGGCGAAGCCGAGGCCAGGCAGGGGGCCCTGGGCCAGGTGCGCGGCGGCCGCGTCCGTC-3'
Protein context (NP_005987.3, residues 475-495): QGPLPGLGFA[Pro485=]GLAGQQFFNG